The following is an entry in ClinVar:

NM_016599.5(MYOZ2):c.383C>T (p.Ser128Phe)

Gene: MYOZ2 (myozenin 2; plus strand). Cytogenetic location: 4q26.
Variant type: single nucleotide variant.
Coding change: c.383C>T on transcript NM_016599.5 (MANE Select); coding-DNA position 383, C replaced by T.
Protein change: p.Ser128Phe; replaces serine 128 with phenylalanine.
Molecular consequence: missense variant.
Genome position (GRCh38, 1-based): chr4:119,164,217, C>T. VCF-style: chr4-119164217-C-T. GRCh37 (hg19) VCF-style: chr4-120085372-C-T.
Other names: short protein forms S128F.
Identifiers: ClinVar variation 1735415 (VCV001735415.2), dbSNP rs1051918078, ClinGen allele CA104971826.

ClinVar aggregate classification (germline): Uncertain significance (1 of 4 stars; one submission).

Conditions:
Cardiovascular phenotype. Identifiers: MedGen CN230736.

Allele frequency attached by ClinVar (database versions not stated): gnomAD exomes below 0.00001; TOPMed 0.00002; gnomAD 0.00003.
gnomAD v4.1: 5 of 1,613,666 alleles (0.00031%); highest among the groups gnomAD compares: African/African-American, 0.0067%; no homozygotes.

Submission:

Ambry Genetics
Classification: Uncertain significance for Cardiovascular phenotype. Last evaluated: 2022-07-06. Review status: criteria provided, single submitter. Criteria: Ambry Variant Classification Scheme 2023. Collection method: clinical testing. Allele origin: germline.
Comment: The p.S128F variant (also known as c.383C>T), located in coding exon 4 of the MYOZ2 gene, results from a C to T substitution at nucleotide position 383. The serine at codon 128 is replaced by phenylalanine, an amino acid with highly dissimilar properties. This amino acid position is conserved. In addition, this alteration is predicted to be tolerated by in silico analysis. Since supporting evidence is limited at this time, the clinical significance of this alteration remains unclear.